The following is an entry in ClinVar:

NM_020975.6(RET):c.1311C>T (p.Asn437=)

Gene: RET (ret proto-oncogene; plus strand). Cytogenetic location: 10q11.21.
Variant type: single nucleotide variant.
Coding change: c.1311C>T on transcript NM_020975.6 (MANE Select); coding-DNA position 1311, C replaced by T.
Protein change: p.Asn437=; no amino-acid change (asparagine 437 retained).
Molecular consequence: synonymous variant. On other transcripts: intron variant (15).
Genome position (GRCh38, 1-based): chr10:43,111,254, C>T. VCF-style: chr10-43111254-C-T. GRCh37 (hg19) VCF-style: chr10-43606702-C-T.
Other names: c.1311C>T, p.Asn437= (NM_000323.2, NM_001406743.1, NM_001406744.1 and 6 more transcripts); c.549C>T, p.Asn183= (NM_001355216.2); c.1182C>T, p.Asn394= (NM_001406761.1, NM_001406762.1, NM_001406764.1 and 1 more transcripts); c.1023C>T, p.Asn341= (NM_001406766.1, NM_001406767.1, NM_001406770.1); c.915C>T, p.Asn305= (NM_001406769.1, NM_001406772.1); c.873C>T, p.Asn291= (NM_001406771.1, NM_001406773.1); c.786C>T, p.Asn262= (NM_001406774.1); c.585C>T, p.Asn195= (NM_001406775.1, NM_001406776.1, NM_001406777.1 and 1 more transcripts); and 5 more.
Identifiers: ClinVar variation 700002 (VCV000700002.15), dbSNP rs1190189942, ClinGen allele CA469479628.

ClinVar aggregate classification (germline): Likely benign. Review status: criteria provided, multiple submitters, no conflicts (2 of 4 stars). 5 submissions from 5 submitters: Likely benign (5). Last evaluated 2026-08-01.

Conditions:
Multiple endocrine neoplasia type 2B. Also called: MUCOSAL NEUROMA SYNDROME; Multiple endocrine neoplasia, type 3; MULTIPLE ENDOCRINE NEOPLASIA, TYPE IIB; Multiple Endocrine Neoplasia Type 2B (MEN2B); MEN IIB; NEUROMATA, MUCOSAL, WITH ENDOCRINE TUMORS. Identifiers: Orphanet 247709, Orphanet 653, MedGen C0025269, MeSH D018814, MONDO:0008082, OMIM 162300.
Hirschsprung disease, susceptibility to, 1 (HSCR1). Also called: RET-Related Hirschsprung Disease. Identifiers: Orphanet 388, MedGen C3888239, MONDO:0007723, OMIM 142623.
Pheochromocytoma. Also called: MAX-Related Hereditary Paraganglioma-Pheochromocytoma Syndrome. Identifiers: Orphanet 29072, MedGen C0031511, MONDO:0008233, OMIM 171300, HP:0002666.
Multiple endocrine neoplasia type 2A. Also called: MULTIPLE ENDOCRINE NEOPLASIA, TYPE IIA; PTC SYNDROME; SIPPLE SYNDROME; MEN 2A; MEN-2A syndrome; Pheochromocytoma and amyloid producing medullary thyroid carcinoma. Identifiers: Orphanet 247698, Orphanet 653, MedGen C0025268, MeSH D018813, MONDO:0008234, OMIM 171400.
Familial medullary thyroid carcinoma (MTC). Also called: Familial Medullary Thyroid Carcinoma (FMTC); Thyroid cancer, familial medullary; MTC, familial. Identifiers: Orphanet 653, Orphanet 99361, MedGen C1833921, MONDO:0007958, OMIM 155240.
Hereditary cancer-predisposing syndrome. Also called: Hereditary neoplastic syndrome; Neoplastic Syndromes, Hereditary; Tumor predisposition; Hereditary Cancer Syndrome. Identifiers: Orphanet 140162, MedGen C0027672, MeSH D009386, MONDO:0015356.
Multiple endocrine neoplasia, type 2 (MEN2). Identifiers: Orphanet 653, MedGen C4048306, MONDO:0019003. Disease mechanism: gain of function.

Allele frequency attached by ClinVar (database versions not stated): gnomAD exomes below 0.00001; TOPMed 0.00001.
gnomAD v4.1: 6 of 1,614,174 alleles (0.00037%); highest among the groups gnomAD compares: East Asian, 0.0022%; no homozygotes.

Submissions (5):

CeGaT Center for Human Genetics Tuebingen
Classification: Likely benign. Last evaluated: 2026-08-01. Review status: criteria provided, single submitter. Criteria: CeGaT Center For Human Genetics Tuebingen Variant Classification Criteria Version 2. Collection method: clinical testing. Allele origin: germline. Affected: yes. Observed: 1 variant allele.
Comment: RET: BP4, BP7

Labcorp Genetics (formerly Invitae), Labcorp
Classification: Likely benign for Multiple endocrine neoplasia, type 2. Last evaluated: 2025-10-24. Review status: criteria provided, single submitter. Criteria: Invitae Variant Classification Sherloc (09022015). Collection method: clinical testing. Allele origin: germline.

Color Diagnostics, LLC DBA Color Health
Classification: Likely benign for Multiple endocrine neoplasia, type 2. Last evaluated: 2025-06-23. Review status: criteria provided, single submitter. Criteria: ACMG Guidelines, 2015. Collection method: clinical testing. Allele origin: germline.

Ambry Genetics
Classification: Likely benign for Hereditary cancer-predisposing syndrome. Last evaluated: 2022-04-19. Review status: criteria provided, single submitter. Criteria: Ambry Variant Classification Scheme 2023. Collection method: clinical testing. Allele origin: germline.

Fulgent Genetics
Classification: Likely benign for Hirschsprung disease, susceptibility to, 1; Familial medullary thyroid carcinoma; Multiple endocrine neoplasia type 2B; Pheochromocytoma; Multiple endocrine neoplasia type 2A. Last evaluated: 2021-12-04. Review status: criteria provided, single submitter. Criteria: ACMG Guidelines, 2015. Collection method: clinical testing. Allele origin: unknown.